The following is an entry in ClinVar:

NM_020928.2(ZSWIM6):c.2945C>T (p.Thr982Ile)

Gene: ZSWIM6 (zinc finger SWIM-type containing 6; plus strand). Cytogenetic location: 5q12.1.
Variant type: single nucleotide variant.
Coding change: c.2945C>T on transcript NM_020928.2 (MANE Select); coding-DNA position 2945, C replaced by T.
Protein change: p.Thr982Ile; replaces threonine 982 with isoleucine.
Molecular consequence: missense variant.
Genome position (GRCh38, 1-based): chr5:61,543,614, C>T. VCF-style: chr5-61543614-C-T. GRCh37 (hg19) VCF-style: chr5-60839441-C-T.
Other names: short protein forms T982I.
Identifiers: ClinVar variation 2086967 (VCV002086967.4), dbSNP rs1749801546, ClinGen allele CA359946509.

ClinVar aggregate classification (germline): Uncertain significance (1 of 4 stars; one submission).

Allele frequency attached by ClinVar (database versions not stated): gnomAD 0.00001.
gnomAD v4.1: 1 of 1,551,672 alleles (0.000064%); highest among the groups gnomAD compares: African/African-American, 0.0014%; no homozygotes.

Submission:

Labcorp Genetics (formerly Invitae), Labcorp
Classification: Uncertain significance. Last evaluated: 2023-05-15. Review status: criteria provided, single submitter. Criteria: Invitae Variant Classification Sherloc (09022015). Collection method: clinical testing. Allele origin: germline.
Comment: ClinVar contains an entry for this variant (Variation ID: 2086967). This variant has not been reported in the literature in individuals affected with ZSWIM6-related conditions. This variant is not present in population databases (gnomAD no frequency). This sequence change replaces threonine, which is neutral and polar, with isoleucine, which is neutral and non-polar, at codon 982 of the ZSWIM6 protein (p.Thr982Ile). In summary, the available evidence is currently insufficient to determine the role of this variant in disease. Therefore, it has been classified as a Variant of Uncertain Significance. Advanced modeling of protein sequence and biophysical properties (such as structural, functional, and spatial information, amino acid conservation, physicochemical variation, residue mobility, and thermodynamic stability) performed at Invitae indicates that this missense variant is not expected to disrupt ZSWIM6 protein function.